The following is an entry in ClinVar:

ClinVar aggregate classification (germline): Uncertain significance. Review status: criteria provided, multiple submitters, no conflicts (2 of 4 stars). 2 submissions from 2 submitters: Uncertain significance (2). Last evaluated 2025-06-07.

Conditions:
Inborn genetic diseases. Identifiers: MedGen C0950123, MeSH D030342.

Allele frequency attached by ClinVar (database versions not stated): gnomAD exomes 0.00001; ExAC 0.00007.
gnomAD v4.1: 18 of 1,608,864 alleles (0.0011%); highest among the groups gnomAD compares: South Asian, 0.016%; no homozygotes.

Submissions (2):

Ambry Genetics
Classification: Uncertain significance for Inborn genetic diseases. Last evaluated: 2025-06-07. Review status: criteria provided, single submitter. Criteria: Ambry Variant Classification Scheme 2023. Collection method: clinical testing. Allele origin: germline.

Labcorp Genetics (formerly Invitae), Labcorp
Classification: Uncertain significance. Last evaluated: 2022-08-21. Review status: criteria provided, single submitter. Criteria: Invitae Variant Classification Sherloc (09022015). Collection method: clinical testing. Allele origin: germline.
Comment: This sequence change replaces aspartic acid, which is acidic and polar, with asparagine, which is neutral and polar, at codon 84 of the CYP24A1 protein (p.Asp84Asn). This variant is present in population databases (rs754828396, gnomAD 0.02%). This variant has not been reported in the literature in individuals affected with CYP24A1-related conditions. Advanced modeling of protein sequence and biophysical properties (such as structural, functional, and spatial information, amino acid conservation, physicochemical variation, residue mobility, and thermodynamic stability) performed at Invitae indicates that this missense variant is not expected to disrupt CYP24A1 protein function. In summary, the available evidence is currently insufficient to determine the role of this variant in disease. Therefore, it has been classified as a Variant of Uncertain Significance.

NM_000782.5(CYP24A1):c.250G>A (p.Asp84Asn)

Gene: CYP24A1 (cytochrome P450 family 24 subfamily A member 1; minus strand). Cytogenetic location: 20q13.2.
Variant type: single nucleotide variant.
Coding change: c.250G>A on transcript NM_000782.5 (MANE Select); coding-DNA position 250, G replaced by A.
Protein change: p.Asp84Asn; replaces aspartic acid 84 with asparagine.
Molecular consequence: missense variant.
Genome position (GRCh38, 1-based): chr20:54,173,330, C>T on the plus strand (G>A on the coding strand, the complement: CYP24A1 is on the minus strand). VCF-style: chr20-54173330-C-T. GRCh37 (hg19) VCF-style: chr20-52789869-C-T.
Other names: c.250G>A, p.Asp84Asn (NM_001128915.2); c.250G>A (NM_000782.4); short protein forms D84N.
Identifiers: ClinVar variation 1921257 (VCV001921257.6), dbSNP rs754828396, ClinGen allele CA9916246.